The following is an entry in ClinVar:

ClinVar aggregate classification (germline): Uncertain significance. Review status: criteria provided, multiple submitters, no conflicts (2 of 4 stars). 2 submissions from 2 submitters: Uncertain significance (2). Last evaluated 2023-12-12.

Conditions:
Hajdu-Cheney syndrome (HJCYS). Also called: SERPENTINE FIBULA-POLYCYSTIC KIDNEY SYNDROME; ACROOSTEOLYSIS WITH OSTEOPOROSIS AND CHANGES IN SKULL AND MANDIBLE; Acroosteolysis dominant type. Identifiers: Orphanet 955, MedGen C0917715, MONDO:0007057, OMIM 102500.

Submissions (2):

GeneDx
Classification: Uncertain significance. Last evaluated: 2023-12-12. Review status: criteria provided, single submitter. Criteria: GeneDx Variant Classification Process June 2021. Collection method: clinical testing. Allele origin: germline. Affected: yes.
Comment: Not observed at significant frequency in large population cohorts (gnomAD); In silico analysis supports that this missense variant has a deleterious effect on protein structure/function; Has not been previously published as pathogenic or benign to our knowledge

Labcorp Genetics (formerly Invitae), Labcorp
Classification: Uncertain significance for Hajdu-Cheney syndrome. Last evaluated: 2023-11-27. Review status: criteria provided, single submitter. Criteria: Invitae Variant Classification Sherloc (09022015). Collection method: clinical testing. Allele origin: germline.
Comment: This sequence change replaces arginine, which is basic and polar, with leucine, which is neutral and non-polar, at codon 1953 of the NOTCH2 protein (p.Arg1953Leu). This variant is not present in population databases (gnomAD no frequency). This variant has not been reported in the literature in individuals affected with NOTCH2-related conditions. Advanced modeling of protein sequence and biophysical properties (such as structural, functional, and spatial information, amino acid conservation, physicochemical variation, residue mobility, and thermodynamic stability) has been performed at Invitae for this missense variant, however the output from this modeling did not meet the statistical confidence thresholds required to predict the impact of this variant on NOTCH2 protein function. This variant disrupts the p.Arg1953 amino acid residue in NOTCH2. Other variant(s) that disrupt this residue have been observed in individuals with NOTCH2-related conditions (PMID: 22209762, 34332988), which suggests that this may be a clinically significant amino acid residue. In summary, the available evidence is currently insufficient to determine the role of this variant in disease. Therefore, it has been classified as a Variant of Uncertain Significance.

Literature cited by the submitters: PubMed 22209762 (cited by Labcorp Genetics (formerly Invitae), Labcorp); PubMed 34332988 (cited by Labcorp Genetics (formerly Invitae), Labcorp).

NM_024408.4(NOTCH2):c.5858G>T (p.Arg1953Leu)

Gene: NOTCH2 (notch receptor 2; minus strand). Cytogenetic location: 1p12.
Variant type: single nucleotide variant.
Coding change: c.5858G>T on transcript NM_024408.4 (MANE Select); coding-DNA position 5858, G replaced by T.
Protein change: p.Arg1953Leu; replaces arginine 1953 with leucine.
Molecular consequence: missense variant.
Genome position (GRCh38, 1-based): chr1:119,918,477, C>A on the plus strand (G>T on the coding strand, the complement: NOTCH2 is on the minus strand). VCF-style: chr1-119918477-C-A. GRCh37 (hg19) VCF-style: chr1-120461100-C-A.
Other names: c.5858G>T (NM_024408.3); short protein forms R1953L.
Identifiers: ClinVar variation 3006210 (VCV003006210.4), dbSNP rs312262797, ClinGen allele CA341882674.